The following is an entry in ClinVar:

ClinVar aggregate classification (germline): Uncertain significance (1 of 4 stars; one submission).

Allele frequency attached by ClinVar (database versions not stated): gnomAD 0.00001; gnomAD exomes 0.00001; ExAC 0.00003.

Submission:

Labcorp Genetics (formerly Invitae), Labcorp
Classification: Uncertain significance. Last evaluated: 2022-10-18. Review status: criteria provided, single submitter. Criteria: Invitae Variant Classification Sherloc (09022015). Collection method: clinical testing. Allele origin: germline.
Comment: ClinVar contains an entry for this variant (Variation ID: 847287). In summary, the available evidence is currently insufficient to determine the role of this variant in disease. Therefore, it has been classified as a Variant of Uncertain Significance. Algorithms developed to predict the effect of missense changes on protein structure and function are either unavailable or do not agree on the potential impact of this missense change (SIFT: "Not Available"; PolyPhen-2: "Benign"; Align-GVGD: "Not Available"). This variant has not been reported in the literature in individuals affected with UNC119-related conditions. This variant is present in population databases (rs766857869, gnomAD 0.001%). This sequence change replaces serine, which is neutral and polar, with alanine, which is neutral and non-polar, at codon 39 of the UNC119 protein (p.Ser39Ala).

NM_005148.4(UNC119):c.115T>G (p.Ser39Ala)

Genes: UNC119 (unc-119 lipid binding chaperone; minus strand), LOC130060555 (ATAC-STARR-seq lymphoblastoid silent region 8343; plus strand). Cytogenetic location: 17q11.2.
Variant type: single nucleotide variant.
Coding change: c.115T>G on transcript NM_005148.4 (MANE Select); coding-DNA position 115, T replaced by G.
Protein change: p.Ser39Ala; replaces serine 39 with alanine.
Molecular consequence: missense variant. On other transcripts: 5 prime UTR variant (1).
Genome position (GRCh38, 1-based): chr17:28,552,443, A>C on the plus strand (T>G on the coding strand, the complement: UNC119 is on the minus strand). VCF-style: chr17-28552443-A-C. GRCh37 (hg19) VCF-style: chr17-26879461-A-C.
Other names: c.-199T>G (NM_001330166.2); c.115T>G, p.Ser39Ala (NM_054035.2); short protein forms S39A.
Identifiers: ClinVar variation 847287 (VCV000847287.7), dbSNP rs766857869, ClinGen allele CA8459905.